The following is an entry in ClinVar:

NM_022042.4(SLC26A1):c.1087T>C (p.Phe363Leu)

Genes: IDUA (alpha-L-iduronidase; plus strand), SLC26A1 (solute carrier family 26 member 1; minus strand). Cytogenetic location: 4p16.3.
Variant type: single nucleotide variant.
Coding change: c.1087T>C on transcript NM_022042.4 (MANE Select); coding-DNA position 1087, T replaced by C.
Protein change: p.Phe363Leu; replaces phenylalanine 363 with leucine.
Molecular consequence: missense variant. On other transcripts: intron variant (2).
Genome position (GRCh38, 1-based): chr4:989,852, A>G on the plus strand (T>C on the coding strand, the complement: SLC26A1 is on the minus strand). VCF-style: chr4-989852-A-G. GRCh37 (hg19) VCF-style: chr4-983640-A-G.
Other names: c.1087T>C, p.Phe363Leu (NM_213613.4); c.576+1276T>C (NM_134425.4); c.299+1903A>G (NM_000203.5); short protein forms F363L.
Identifiers: ClinVar variation 2489341 (VCV002489341.5), dbSNP rs768266000, ClinGen allele CA2801468.

ClinVar aggregate classification (germline): Uncertain significance. Review status: criteria provided, multiple submitters, no conflicts (2 of 4 stars). 2 submissions from 2 submitters: Uncertain significance (2). Last evaluated 2023-05-23.

Conditions:
Inborn genetic diseases. Identifiers: MedGen C0950123, MeSH D030342.

Allele frequency attached by ClinVar (database versions not stated): TOPMed below 0.00001; gnomAD 0.00001; gnomAD exomes 0.00002.
gnomAD v4.1: 30 of 1,577,422 alleles (0.0019%); highest among the groups gnomAD compares: Non-Finnish European, 0.0026%; no homozygotes.

Submissions (2):

Labcorp Genetics (formerly Invitae), Labcorp
Classification: Uncertain significance. Last evaluated: 2023-05-23. Review status: criteria provided, single submitter. Criteria: Invitae Variant Classification Sherloc (09022015). Collection method: clinical testing. Allele origin: germline.
Comment: In summary, the available evidence is currently insufficient to determine the role of this variant in disease. Therefore, it has been classified as a Variant of Uncertain Significance. Advanced modeling of protein sequence and biophysical properties (such as structural, functional, and spatial information, amino acid conservation, physicochemical variation, residue mobility, and thermodynamic stability) performed at Invitae indicates that this missense variant is not expected to disrupt SLC26A1 protein function. ClinVar contains an entry for this variant (Variation ID: 2489341). This variant has not been reported in the literature in individuals affected with SLC26A1-related conditions. This variant is present in population databases (rs768266000, gnomAD 0.001%). This sequence change replaces phenylalanine, which is neutral and non-polar, with leucine, which is neutral and non-polar, at codon 363 of the SLC26A1 protein (p.Phe363Leu).

Ambry Genetics
Classification: Uncertain significance for Inborn genetic diseases. Last evaluated: 2023-02-27. Review status: criteria provided, single submitter. Criteria: Ambry Variant Classification Scheme 2023. Collection method: clinical testing. Allele origin: germline.